The following is an entry in ClinVar:

NM_006231.4(POLE):c.1806G>A (p.Glu602=)

Gene: POLE (DNA polymerase epsilon, catalytic subunit; minus strand). Cytogenetic location: 12q24.33.
Variant type: single nucleotide variant.
Coding change: c.1806G>A on transcript NM_006231.4 (MANE Select); coding-DNA position 1806, G replaced by A.
Protein change: p.Glu602=; no amino-acid change (glutamic acid 602 retained).
Molecular consequence: synonymous variant.
Genome position (GRCh38, 1-based): chr12:132,668,928, C>T on the plus strand (G>A on the coding strand, the complement: POLE is on the minus strand). VCF-style: chr12-132668928-C-T. GRCh37 (hg19) VCF-style: chr12-133245514-C-T.
Identifiers: ClinVar variation 384350 (VCV000384350.5), dbSNP rs1057521932, ClinGen allele CA16606185.

ClinVar aggregate classification (germline): Likely benign. Review status: criteria provided, multiple submitters, no conflicts (2 of 4 stars). 3 submissions from 3 submitters: Likely benign (3). Last evaluated 2025-11-11.

Conditions:
Hereditary cancer-predisposing syndrome. Also called: Hereditary Cancer Syndrome; Hereditary neoplastic syndrome; Neoplastic Syndromes, Hereditary; Tumor predisposition. Identifiers: Orphanet 140162, MedGen C0027672, MeSH D009386, MONDO:0015356.

Submissions (3):

Ambry Genetics
Classification: Likely benign for Hereditary cancer-predisposing syndrome. Last evaluated: 2025-11-11. Review status: criteria provided, single submitter. Criteria: Ambry Variant Classification Scheme 2023. Collection method: clinical testing. Allele origin: germline.

Labcorp Genetics (formerly Invitae), Labcorp
Classification: Likely benign. Last evaluated: 2023-02-24. Review status: criteria provided, single submitter. Criteria: Invitae Variant Classification Sherloc (09022015). Collection method: clinical testing. Allele origin: germline.

GeneDx
Classification: Likely benign. Last evaluated: 2016-02-29. Review status: criteria provided, single submitter. Criteria: GeneDx Variant Classification (06012015). Collection method: clinical testing. Allele origin: germline. Affected: yes.
Comment: This variant is considered likely benign or benign based on one or more of the following criteria: it is a conservative change, it occurs at a poorly conserved position in the protein, it is predicted to be benign by multiple in silico algorithms, and/or has population frequency not consistent with disease.